The following is an entry in ClinVar:

NM_003190.5(TAPBP):c.98C>T (p.Ala33Val)

Gene: TAPBP (TAP binding protein; minus strand). Cytogenetic location: 6p21.32.
Variant type: single nucleotide variant.
Coding change: c.98C>T on transcript NM_003190.5 (MANE Select); coding-DNA position 98, C replaced by T.
Protein change: p.Ala33Val; replaces alanine 33 with valine.
Molecular consequence: missense variant.
Genome position (GRCh38, 1-based): chr6:33,313,804, G>A on the plus strand (C>T on the coding strand, the complement: TAPBP is on the minus strand). VCF-style: chr6-33313804-G-A. GRCh37 (hg19) VCF-style: chr6-33281581-G-A.
Other names: c.98C>T, p.Ala33Val (NM_001410875.1, NM_172208.3, NM_172209.3); short protein forms A33V.
Identifiers: ClinVar variation 2169325 (VCV002169325.4), dbSNP rs368154041, ClinGen allele CA3755970.
Genomic context (GRCh38, chr6:33,313,804, plus strand): 5'-TCCCCCGGTCCCTGGCGCAACAGCAGTGCACCGGGTCTCTTGGCCAGGCCCTTTCCGCTC[G>A]CATCCTCCACGAACCAACACTCGATCACCGCGGGTCCTGCTGAGACGGCGGTCGCCAGGC-3'
Protein context (NP_003181.3, residues 23-43): AVIECWFVED[Ala33Val]SGKGLAKRPG

ClinVar aggregate classification (germline): Uncertain significance (1 of 4 stars; one submission).

Conditions:
MHC class I deficiency. Identifiers: Orphanet 34592, MedGen C6024714, MONDO:0011476.

Allele frequency attached by ClinVar (database versions not stated): ExAC 0.00001; gnomAD 0.00001; gnomAD exomes 0.00001; TOPMed 0.00001; ESP Exome Variant Server 0.00008.
gnomAD v4.1: 19 of 1,613,594 alleles (0.0012%); highest among the groups gnomAD compares: Non-Finnish European, 0.0014%; no homozygotes.

Submission:

Labcorp Genetics (formerly Invitae), Labcorp
Classification: Uncertain significance for MHC class I deficiency 1. Last evaluated: 2022-09-13. Review status: criteria provided, single submitter. Criteria: Invitae Variant Classification Sherloc (09022015). Collection method: clinical testing. Allele origin: germline.
Comment: In summary, the available evidence is currently insufficient to determine the role of this variant in disease. Therefore, it has been classified as a Variant of Uncertain Significance. Algorithms developed to predict the effect of missense changes on protein structure and function output the following: SIFT: "Tolerated"; PolyPhen-2: "Benign"; Align-GVGD: "Class C0". The valine amino acid residue is found in multiple mammalian species, which suggests that this missense change does not adversely affect protein function. This variant has not been reported in the literature in individuals affected with TAPBP-related conditions. This variant is present in population databases (rs368154041, gnomAD 0.002%). This sequence change replaces alanine, which is neutral and non-polar, with valine, which is neutral and non-polar, at codon 33 of the TAPBP protein (p.Ala33Val).